The following is an entry in ClinVar:

NM_001113378.2(FANCI):c.3694A>G (p.Lys1232Glu)

Gene: FANCI (FA complementation group I; plus strand). Cytogenetic location: 15q26.1.
Variant type: single nucleotide variant.
Coding change: c.3694A>G on transcript NM_001113378.2 (MANE Select); coding-DNA position 3694, A replaced by G.
Protein change: p.Lys1232Glu; replaces lysine 1232 with glutamic acid.
Molecular consequence: missense variant.
Genome position (GRCh38, 1-based): chr15:89,312,946, A>G. VCF-style: chr15-89312946-A-G. GRCh37 (hg19) VCF-style: chr15-89856177-A-G.
Other names: c.3415A>G, p.Lys1139Glu (NM_001376910.1); c.3694A>G, p.Lys1232Glu (NM_001376911.1); c.3514A>G, p.Lys1172Glu (NM_018193.3); short protein forms K1139E, K1172E, K1232E.
Identifiers: ClinVar variation 1440002 (VCV001440002.7), dbSNP rs1252915442, ClinGen allele CA393742838.

ClinVar aggregate classification (germline): Uncertain significance. Review status: criteria provided, multiple submitters, no conflicts (2 of 4 stars). 2 submissions from 2 submitters: Uncertain significance (2). Last evaluated 2024-05-02.

Conditions:
Fanconi anemia complementation group I (FANCI). Also called: FANCI-Related Fanconi Anemia. Identifiers: Orphanet 84, MedGen C1836861, MONDO:0012186, OMIM 609053.
Fanconi anemia (FA). Also called: Fanconi's anemia. Identifiers: Orphanet 84, MedGen C0015625, MeSH D005199, MONDO:0019391.

Allele frequency attached by ClinVar (database versions not stated): gnomAD exomes below 0.00001; TOPMed below 0.00001.
gnomAD v4.1: 1 of 1,614,102 alleles (0.000062%); highest among the groups gnomAD compares: East Asian, 0.0022%; no homozygotes.

Submissions (2):

Fulgent Genetics
Classification: Uncertain significance for Fanconi anemia complementation group I. Last evaluated: 2024-05-02. Review status: criteria provided, single submitter. Criteria: ACMG Guidelines, 2015. Collection method: clinical testing. Allele origin: germline.

Labcorp Genetics (formerly Invitae), Labcorp
Classification: Uncertain significance for Fanconi anemia. Last evaluated: 2021-10-02. Review status: criteria provided, single submitter. Criteria: Invitae Variant Classification Sherloc (09022015). Collection method: clinical testing. Allele origin: germline.
Comment: This sequence change replaces lysine with glutamic acid at codon 1232 of the FANCI protein (p.Lys1232Glu). The lysine residue is moderately conserved and there is a small physicochemical difference between lysine and glutamic acid. This variant is not present in population databases (ExAC no frequency). This variant has not been reported in the literature in individuals affected with FANCI-related conditions. Algorithms developed to predict the effect of missense changes on protein structure and function output the following: SIFT: "Tolerated"; PolyPhen-2: "Benign"; Align-GVGD: "Class C0". The glutamic acid amino acid residue is found in multiple mammalian species, which suggests that this missense change does not adversely affect protein function. In summary, the available evidence is currently insufficient to determine the role of this variant in disease. Therefore, it has been classified as a Variant of Uncertain Significance.